The following is an entry in ClinVar:

NM_001042492.3(NF1):c.2106_2107insCA (p.Val703fs)

Gene: NF1 (neurofibromin 1; plus strand). Cytogenetic location: 17q11.2.
Variant type: Insertion.
Coding change: c.2106_2107insCA on transcript NM_001042492.3 (MANE Select); coding-DNA positions 2106 to 2107, CA inserted.
Protein change: p.Val703fs; shifts the reading frame from valine 703.
Molecular consequence: frameshift variant.
Genome position: GRCh38 VCF-style: chr17-31226539-T-TCA. GRCh37 (hg19) VCF-style: chr17-29553557-T-TCA.
Other names: c.2106_2107insCA, p.Val703Glnfs (NM_000267.4); short protein forms V703fs.
Identifiers: ClinVar variation 2018869 (VCV002018869.4), dbSNP rs2508156279, ClinGen allele CA2580093150.

ClinVar aggregate classification (germline): Pathogenic (1 of 4 stars; one submission).

Conditions:
Neurofibromatosis, type 1 (NF1). Also called: NEUROFIBROMATOSIS, TYPE I, SOMATIC; Neurofibromatosis, type I; Peripheral type neurofibromatosis; VON RECKLINGHAUSEN DISEASE. Identifiers: Orphanet 636, MedGen C0027831, MONDO:0018975, OMIM 162200. Disease mechanism: loss of function.

Submission:

Labcorp Genetics (formerly Invitae), Labcorp
Classification: Pathogenic for Neurofibromatosis, type 1. Last evaluated: 2022-07-22. Review status: criteria provided, single submitter. Criteria: Invitae Variant Classification Sherloc (09022015). Collection method: clinical testing. Allele origin: germline.
Comment: For these reasons, this variant has been classified as Pathogenic. This variant has not been reported in the literature in individuals affected with NF1-related conditions. This variant is not present in population databases (gnomAD no frequency). This sequence change creates a premature translational stop signal (p.Val703Glnfs*46) in the NF1 gene. It is expected to result in an absent or disrupted protein product. Loss-of-function variants in NF1 are known to be pathogenic (PMID: 10712197, 23913538).

Literature cited by the submitters: PubMed 10712197; PubMed 23913538.